The following is an entry in ClinVar:

NM_144966.5(FREM1):c.*2341A>G

Gene: FREM1 (FRAS1 related extracellular matrix 1; minus strand). Cytogenetic location: 9p22.3.
Variant type: single nucleotide variant.
Coding change: c.*2341A>G on transcript NM_144966.5; 2341 bases downstream of the stop codon, A replaced by G.
Genome position (GRCh38, 1-based): chr9:14,735,055, T>C on the plus strand (A>G on the coding strand, the complement: FREM1 is on the minus strand). VCF-style: chr9-14735055-T-C. GRCh37 (hg19) VCF-style: chr9-14735053-T-C.
Identifiers: ClinVar variation 366056 (VCV000366056.8), dbSNP rs1048070, ClinGen allele CA10629677.

ClinVar aggregate classification (germline): Benign. Review status: criteria provided, multiple submitters, no conflicts (2 of 4 stars). 2 submissions from 2 submitters: Benign (2). Last evaluated 2018-01-13.

Conditions:
Oculotrichoanal syndrome (MOTA). Also called: MARLES SYNDROME; Manitoba Oculotrichoanal (MOTA) Syndrome. Identifiers: Orphanet 2717, MedGen C1855425, MONDO:0009560, OMIM 248450.

Allele frequency attached by ClinVar (database versions not stated): 1000 Genomes Project 30x 0.43285; TOPMed 0.44934; gnomAD 0.45960 and 0.45732; gnomAD exomes 0.40909; 1000 Genomes Project 0.43570.

Submissions (2):

Illumina Laboratory Services, Illumina
Classification: Benign for Oculotrichoanal syndrome. Last evaluated: 2018-01-13. Review status: criteria provided, single submitter. Criteria: ICSL Variant Classification Criteria 13 December 2019. Collection method: clinical testing. Allele origin: germline.
Comment: This variant was observed in the ICSL laboratory as part of a predisposition screen in an ostensibly healthy population. It had not been previously curated by ICSL or reported in the Human Gene Mutation Database (HGMD: prior to June 1st, 2018), and was therefore a candidate for classification through an automated scoring system. Utilizing variant allele frequency, disease prevalence and penetrance estimates, and inheritance mode, an automated score was calculated to assess if this variant is too frequent to cause the disease. Based on the score and internal cut-off values, a variant classified as benign is not then subjected to further curation. The score for this variant resulted in a classification of benign for this disease.

Breakthrough Genomics
Classification: Benign. Review status: criteria provided, single submitter. Criteria: ACMG Guidelines, 2015. Collection method: not provided. Allele origin: germline. Inheritance: Autosomal recessive inheritance. Affected: yes.